The following is an entry in ClinVar:

ClinVar aggregate classification (germline): Uncertain significance (1 of 4 stars; one submission).

Conditions:
Accelerated tumor formation, susceptibility to (ACTFS). Identifiers: MedGen C3280690, OMIM 614401, MONDO:0013733.

Allele frequency attached by ClinVar (database versions not stated): gnomAD exomes below 0.00001; TOPMed below 0.00001; gnomAD 0.00001.

Submission:

Labcorp Genetics (formerly Invitae), Labcorp
Classification: Uncertain significance for Accelerated tumor formation, susceptibility to. Last evaluated: 2022-11-06. Review status: criteria provided, single submitter. Criteria: Invitae Variant Classification Sherloc (09022015). Collection method: clinical testing. Allele origin: germline.
Comment: This variant has not been reported in the literature in individuals affected with MDM2-related conditions. In summary, the available evidence is currently insufficient to determine the role of this variant in disease. Therefore, it has been classified as a Variant of Uncertain Significance. Algorithms developed to predict the effect of missense changes on protein structure and function are either unavailable or do not agree on the potential impact of this missense change (SIFT: "Deleterious"; PolyPhen-2: "Probably Damaging"; Align-GVGD: "Class C0"). This variant is not present in population databases (gnomAD no frequency). This sequence change replaces leucine, which is neutral and non-polar, with arginine, which is basic and polar, at codon 331 of the MDM2 protein (p.Leu331Arg).

NM_002392.6(MDM2):c.992T>G (p.Leu331Arg)

Gene: MDM2 (MDM2 proto-oncogene; plus strand). Cytogenetic location: 12q15.
Variant type: single nucleotide variant.
Coding change: c.992T>G on transcript NM_002392.6 (MANE Select); coding-DNA position 992, T replaced by G.
Protein change: p.Leu331Arg; replaces leucine 331 with arginine.
Molecular consequence: missense variant.
Genome position (GRCh38, 1-based): chr12:68,839,347, T>G. VCF-style: chr12-68839347-T-G. GRCh37 (hg19) VCF-style: chr12-69233127-T-G.
Other names: c.833T>G, p.Leu278Arg (NM_001145337.3); c.827T>G, p.Leu276Arg (NM_001145339.2); c.386T>G, p.Leu129Arg (NM_001145340.3); c.464T>G, p.Leu155Arg (NM_001278462.2); c.974T>G, p.Leu325Arg (NM_001367990.1); short protein forms L278R, L155R, L325R, L129R, L276R, L331R.
Identifiers: ClinVar variation 2733344 (VCV002733344.3), dbSNP rs1451286579, ClinGen allele CA385704531.